The following is an entry in ClinVar:

ClinVar aggregate classification (germline): Uncertain significance (1 of 4 stars; one submission).

Conditions:
Familial thoracic aortic aneurysm and aortic dissection (TAAD). Also called: Thoracic aortic aneurysms and dissections. Identifiers: Orphanet 91387, MedGen C4707243, MONDO:0019625.

Allele frequency attached by ClinVar (database versions not stated): gnomAD exomes below 0.00001.
gnomAD v4.1: 1 of 1,614,216 alleles (0.000062%); highest among the groups gnomAD compares: South Asian, 0.0011%; no homozygotes.

Submission:

Ambry Genetics
Classification: Uncertain significance for Familial thoracic aortic aneurysm and aortic dissection. Last evaluated: 2020-12-30. Review status: criteria provided, single submitter. Criteria: Ambry Variant Classification Scheme 2023. Collection method: clinical testing. Allele origin: germline.
Comment: The p.I1071T variant (also known as c.3212T>C), located in coding exon 26 of the FBN1 gene, results from a T to C substitution at nucleotide position 3212. The isoleucine at codon 1071 is replaced by threonine, an amino acid with similar properties, and is located in the cbEGF like #12 domain. This amino acid position is highly conserved in available vertebrate species. In addition, this alteration is predicted to be deleterious by in silico analysis. Since supporting evidence is limited at this time, the clinical significance of this alteration remains unclear.

NM_000138.5(FBN1):c.3212T>C (p.Ile1071Thr)

Gene: FBN1 (fibrillin 1; minus strand). Cytogenetic location: 15q21.1.
Variant type: single nucleotide variant.
Coding change: c.3212T>C on transcript NM_000138.5 (MANE Select); coding-DNA position 3212, T replaced by C.
Protein change: p.Ile1071Thr; replaces isoleucine 1071 with threonine.
Molecular consequence: missense variant.
Genome position (GRCh38, 1-based): chr15:48,488,238, A>G on the plus strand (T>C on the coding strand, the complement: FBN1 is on the minus strand). VCF-style: chr15-48488238-A-G. GRCh37 (hg19) VCF-style: chr15-48780435-A-G.
Other names: c.3212T>C, p.Ile1071Thr (NM_001406716.1); short protein forms I1071T.
Identifiers: ClinVar variation 1728962 (VCV001728962.2), dbSNP rs1555398647, ClinGen allele CA392327753.